The following is an entry in ClinVar:

ClinVar aggregate classification (germline): Likely benign (0 of 4 stars; one submission).

Conditions:
G6PC3-related disorder. Also called: G6PC3-related condition.

Allele frequency attached by ClinVar (database versions not stated): gnomAD exomes 0.00002; 1000 Genomes Project 0.00020; ExAC 0.00020; gnomAD 0.00026; TOPMed 0.00032; ESP Exome Variant Server 0.00048; 1000 Genomes Project 30x 0.00078.
gnomAD v4.1: 64 of 1,550,744 alleles (0.0041%); highest among the groups gnomAD compares: African/African-American, 0.081%; no homozygotes.

Submission:

PreventionGenetics, part of Exact Sciences
Classification: Likely benign for G6PC3-related condition. Last evaluated: 2020-09-17. Review status: no assertion criteria provided. Collection method: clinical testing. Allele origin: germline.
Comment: This variant is classified as likely benign based on ACMG/AMP sequence variant interpretation guidelines (Richards et al. 2015 PMID: 25741868, with internal and published modifications).

NM_138387.4(G6PC3):c.-4C>T

Gene: G6PC3 (glucose-6-phosphatase catalytic subunit 3; plus strand). Cytogenetic location: 17q21.31.
Variant type: single nucleotide variant.
Coding change: c.-4C>T on transcript NM_138387.4 (MANE Select); 4 bases upstream of the start codon, C replaced by T.
Molecular consequence: 5 prime UTR variant. On other transcripts: intron variant (1).
Genome position (GRCh38, 1-based): chr17:44,070,962, C>T. VCF-style: chr17-44070962-C-T. GRCh37 (hg19) VCF-style: chr17-42148330-C-T.
Other names: c.-4C>T (NM_001319945.2); c.-408C>T (NM_001384165.1); c.-543C>T (NM_001384166.1); c.-533C>T (NM_001384167.1); c.-312+248C>T (NM_001384168.1).
Identifiers: ClinVar variation 3032986 (VCV003032986.2), dbSNP rs370859437, ClinGen allele CA8595870.
Genomic context (GRCh38, chr17:44,070,962, plus strand): 5'-TCGTTGCCTGGACTCTGGTTTCCGCCCTGGAGCAAGCCGGGGCCTGGTCGGCAGCTGGGC[C>T]GCCATGGAGTCCACGCTGGGCGCGGGCATCGTGATAGCCGAGGCGCTACAGAACCAGCTA-3'